The following is an entry in ClinVar:

ClinVar aggregate classification (germline): Uncertain significance (1 of 4 stars; one submission).

Submission:

GeneDx
Classification: Uncertain significance. Last evaluated: 2026-03-06. Review status: criteria provided, single submitter. Criteria: GeneDx Variant Classification Process June 2021. Collection method: clinical testing. Allele origin: germline.
Comment: Not observed at significant frequency in large population cohorts (gnomAD); In silico analysis supports that this missense variant has a deleterious effect on protein structure/function; Has not been previously published as pathogenic or benign to our knowledge

NM_012398.3(PIP5K1C):c.1516C>T (p.Pro506Ser)

Gene: PIP5K1C (phosphatidylinositol-4-phosphate 5-kinase type 1 gamma; minus strand). Cytogenetic location: 19p13.3.
Variant type: single nucleotide variant.
Coding change: c.1516C>T on transcript NM_012398.3 (MANE Select); coding-DNA position 1516, C replaced by T.
Protein change: p.Pro506Ser; replaces proline 506 with serine.
Molecular consequence: missense variant.
Genome position (GRCh38, 1-based): chr19:3,643,376, G>A on the plus strand (C>T on the coding strand, the complement: PIP5K1C is on the minus strand). VCF-style: chr19-3643376-G-A. GRCh37 (hg19) VCF-style: chr19-3643374-G-A.
Other names: c.1516C>T, p.Pro506Ser (NM_001195733.2, NM_001300849.2); short protein forms P506S.
Identifiers: ClinVar variation 5008765 (VCV005008765.1).